The following is an entry in ClinVar:

ClinVar aggregate classification (germline): Benign/Likely benign. Review status: criteria provided, multiple submitters, no conflicts (2 of 4 stars). 2 submissions from 2 submitters: Benign (1); Likely benign (1). Last evaluated 2024-12-27.

Conditions:
Familial thoracic aortic aneurysm and aortic dissection (TAAD). Also called: Thoracic aortic aneurysms and dissections. Identifiers: Orphanet 91387, MedGen C4707243, MONDO:0019625.

Submissions (2):

Ambry Genetics
Classification: Benign for Familial thoracic aortic aneurysm and aortic dissection. Last evaluated: 2024-12-27. Review status: criteria provided, single submitter. Criteria: Ambry Variant Classification Scheme 2023. Collection method: clinical testing. Allele origin: germline.

GeneDx
Classification: Likely benign for Thoracic aortic aneurysms and aortic dissections. Last evaluated: 2014-08-22. Review status: criteria provided, single submitter. Criteria: GeneDx Variant Classification (06012015). Collection method: clinical testing. Allele origin: germline. Affected: yes.
Comment: The variant is found in TAAD panel(s).

NM_000090.4(COL3A1):c.2242_2244delinsAGC (p.Gly748Ser)

Gene: COL3A1 (collagen type III alpha 1 chain; plus strand). Cytogenetic location: 2q32.2.
Variant type: Indel.
Coding change: c.2242_2244delinsAGC on transcript NM_000090.4 (MANE Select); coding-DNA positions 2242 to 2244, GGT replaced by AGC.
Protein change: p.Gly748Ser; replaces glycine 748 with serine.
Molecular consequence: missense variant.
Genome position (GRCh38, 1-based): chr2:188,999,854-188,999,856, GGT replaced by AGC. VCF-style: chr2-188999854-GGT-AGC. GRCh37 (hg19) VCF-style: chr2-189864580-GGT-AGC.
Other names: p.G748S:GGT>AGC; short protein forms G748S.
Identifiers: ClinVar variation 199700 (VCV000199700.2), dbSNP rs794728037, ClinGen allele CA005234.
Genomic context (GRCh38, chr2:188,999,854, plus strand): 5'-TTCACTGAAGATACTTTGAATCTGATGACATTGGCTTTTATTTGACAGGGTGAACCAGGC[GGT>AGC]CCAGGTGCTGATGGTGTCCCAGGGAAAGATGGCCCAAGGGTGAGTATTCCCAGTGAGGAG-3'
Protein context (NP_000081.2, residues 738-758): GPKGDKGEPG[Gly748Ser]PGADGVPGKD